The following is an entry in ClinVar:

ClinVar aggregate classification (germline): Uncertain significance (1 of 4 stars; one submission).

Conditions:
Duchenne muscular dystrophy (DMD). Also called: MUSCULAR DYSTROPHY, PSEUDOHYPERTROPHIC PROGRESSIVE, DUCHENNE TYPE; Duchenne Muscular Dystrophy (DMD). Identifiers: Orphanet 98896, MedGen C0013264, MONDO:0010679, OMIM 310200.

Allele frequency attached by ClinVar (database versions not stated): gnomAD exomes below 0.00001.
gnomAD v4.1: 1 of 1,212,175 alleles (0.000082%); highest among the groups gnomAD compares: Non-Finnish European, 0.00011%; no homozygotes.

Submission:

Labcorp Genetics (formerly Invitae), Labcorp
Classification: Uncertain significance for Duchenne muscular dystrophy. Last evaluated: 2022-10-24. Review status: criteria provided, single submitter. Criteria: Invitae Variant Classification Sherloc (09022015). Collection method: clinical testing. Allele origin: germline.
Comment: This sequence change replaces alanine, which is neutral and non-polar, with threonine, which is neutral and polar, at codon 2840 of the DMD protein (p.Ala2840Thr). This variant is not present in population databases (gnomAD no frequency). This variant has not been reported in the literature in individuals affected with DMD-related conditions. ClinVar contains an entry for this variant (Variation ID: 1422815). Advanced modeling of protein sequence and biophysical properties (such as structural, functional, and spatial information, amino acid conservation, physicochemical variation, residue mobility, and thermodynamic stability) performed at Invitae indicates that this missense variant is not expected to disrupt DMD protein function. In summary, the available evidence is currently insufficient to determine the role of this variant in disease. Therefore, it has been classified as a Variant of Uncertain Significance.

NM_004006.3(DMD):c.8518G>A (p.Ala2840Thr)

Gene: DMD (dystrophin; minus strand). Cytogenetic location: Xp21.2.
Variant type: single nucleotide variant.
Coding change: c.8518G>A on transcript NM_004006.3 (MANE Select); coding-DNA position 8518, G replaced by A.
Protein change: p.Ala2840Thr; replaces alanine 2840 with threonine.
Molecular consequence: missense variant.
Genome position (GRCh38, 1-based): chrX:31,496,817, C>T on the plus strand (G>A on the coding strand, the complement: DMD is on the minus strand). VCF-style: chrX-31496817-C-T. GRCh37 (hg19) VCF-style: chrX-31514934-C-T.
Other names: c.8494G>A, p.Ala2832Thr (NM_000109.4); c.8506G>A, p.Ala2836Thr (NM_004009.3); c.8149G>A, p.Ala2717Thr (NM_004010.3); c.4495G>A, p.Ala1499Thr (NM_004011.4); c.4486G>A, p.Ala1496Thr (NM_004012.4); c.1138G>A, p.Ala380Thr (NM_004013.3, NM_004020.4, NM_004021.3 and 2 more transcripts); c.331G>A, p.Ala111Thr (NM_004014.3); short protein forms A2717T, A2832T, A1496T, A2836T, A2840T, A111T, A1499T, A380T.
Identifiers: ClinVar variation 1422815 (VCV001422815.5), dbSNP rs2147074872, ClinGen allele CA412655417.